The following is an entry in ClinVar:

ClinVar aggregate classification (germline): Uncertain significance (1 of 4 stars; one submission).

Conditions:
Autosomal dominant nocturnal frontal lobe epilepsy 5. Also called: CILIARY DYSKINESIA, PRIMARY, 28, WITHOUT SITUS INVERSUS; CILIARY DYSKINESIA, PRIMARY, 28, WITH SITUS INVERSUS; KCNT1-Related Epilepsy; Epilepsy, nocturnal frontal lobe, 5. Identifiers: Orphanet 98784, MedGen C3554306, MONDO:0014002, OMIM 615005.
Developmental and epileptic encephalopathy, 14 (DEE14). Also called: Early infantile epileptic encephalopathy 14. Identifiers: Orphanet 293181, MedGen C3554195, MONDO:0013989, OMIM 614959.

Submission:

Labcorp Genetics (formerly Invitae), Labcorp
Classification: Uncertain significance for Autosomal dominant nocturnal frontal lobe epilepsy 5; Developmental and epileptic encephalopathy, 14. Last evaluated: 2025-11-17. Review status: criteria provided, single submitter. Criteria: Invitae Variant Classification Sherloc (09022015). Collection method: clinical testing. Allele origin: germline.
Comment: This sequence change falls in intron 5 of the KCNT1 gene. It does not directly change the encoded amino acid sequence of the KCNT1 protein. It affects a nucleotide within the consensus splice site. This variant is not present in population databases (gnomAD no frequency). This variant has not been reported in the literature in individuals affected with KCNT1-related conditions. Variants that disrupt the consensus splice site are a relatively common cause of aberrant splicing (PMID: 17576681, 9536098). Algorithms developed to predict the effect of sequence changes on RNA splicing suggest that this variant may disrupt the consensus splice site. In summary, the available evidence is currently insufficient to determine the role of this variant in disease. Therefore, it has been classified as a Variant of Uncertain Significance.

Literature cited by the submitters: PubMed 17576681; PubMed 9536098.

NM_020822.3(KCNT1):c.491+6T>G

Gene: KCNT1 (potassium sodium-activated channel subfamily T member 1; plus strand). Cytogenetic location: 9q34.3.
Variant type: single nucleotide variant.
Coding change: c.491+6T>G on transcript NM_020822.3 (MANE Select); 6 bases into the intron after coding-DNA position 491, T replaced by G.
Molecular consequence: intron variant.
Genome position (GRCh38, 1-based): chr9:135,753,999, T>G. VCF-style: chr9-135753999-T-G. GRCh37 (hg19) VCF-style: chr9-138645845-T-G.
Other names: c.347+6T>G (NM_001272003.2).
Identifiers: ClinVar variation 4788540 (VCV004788540.1).